The following is an entry in ClinVar:

ClinVar aggregate classification (germline): Uncertain significance (1 of 4 stars; one submission).

gnomAD v4.1: 3 of 1,591,230 alleles (0.00019%); highest among the groups gnomAD compares: Non-Finnish European, 0.00026%; no homozygotes.

Submission:

Ambry Genetics
Classification: Uncertain significance. Last evaluated: 2025-08-30. Review status: criteria provided, single submitter. Criteria: Ambry Variant Classification Scheme 2023. Collection method: clinical testing. Allele origin: germline.
Comment: The p.V331F variant (also known as c.991G>T) is located in coding exon 9 of the GEN1 gene. The valine at codon 331 is replaced by phenylalanine, an amino acid with highly similar properties. This change occurs in the first base pair of coding exon 9. This amino acid position is conserved. In addition, the in silico prediction for this alteration is inconclusive. Based on the available evidence, the clinical significance of this variant remains unclear.

NM_001130009.3(GEN1):c.991G>T (p.Val331Phe)

Gene: GEN1 (GEN1 Holliday junction 5' flap endonuclease; plus strand). Cytogenetic location: 2p24.2.
Variant type: single nucleotide variant.
Coding change: c.991G>T on transcript NM_001130009.3 (MANE Select); coding-DNA position 991, G replaced by T.
Protein change: p.Val331Phe; replaces valine 331 with phenylalanine.
Molecular consequence: missense variant.
Genome position (GRCh38, 1-based): chr2:17,773,219, G>T. VCF-style: chr2-17773219-G-T. GRCh37 (hg19) VCF-style: chr2-17954486-G-T.
Other names: c.991G>T, p.Val331Phe (NM_182625.5); short protein forms V331F.
Identifiers: ClinVar variation 4263110 (VCV004263110.1).